The following is an entry in ClinVar:

ClinVar aggregate classification (germline): Likely benign. Review status: reviewed by expert panel (3 of 4 stars). 2 submissions from 2 submitters: Likely benign (1). 1 of the submissions does not count toward it. Last evaluated 2024-06-24.

Conditions:
Hereditary thrombocytopenia and hematologic cancer predisposition syndrome. Identifiers: Orphanet 71290, MedGen CN281654, MONDO:0011071.
Hereditary thrombocytopenia and hematological cancer predisposition syndrome associated with RUNX1. Also called: Familial Platelet Disorder with Propensity to Acute Myelogenous Leukemia; Familial thrombocytopenia with propensity to acute myelogenous leukemia; PLATELET DISORDER, ASPIRIN-LIKE; RUNX1 Familial Platelet Disorder with Associated Myeloid Malignancies. Identifiers: Orphanet 71290, MedGen C1832388, MeSH C563324, MONDO:0100083, OMIM 601399.

Submissions (2):

ClinGen Myeloid Malignancy Variant Curation Expert Panel
Classification: Likely benign for Hereditary thrombocytopenia and hematologic cancer predisposition syndrome. Last evaluated: 2024-06-24. Review status: reviewed by expert panel. Criteria: ClinGen MyeloMalig ACMG Specifications v2. Collection method: curation. Allele origin: germline. Inheritance: Autosomal dominant inheritance.
Comment: NM_001754.5(RUNX1):c.1200G>A (p.Ser400=) is a synonymous variant that is not predicted to impact splicing. This variant has a SpliceAI score ≤ 0.20 (0.0) (BP4). The SpliceAI score = 0 which is below the threshold for splicing defects (<0.2) and PhyloP100 score = 0.98 which is also below the threshold (<2) meaning the position is not highly conserved (BP7). This variant is not present in gnomAD v2.1.1 or gnomAD v3.1.2 (PM2_supporting). In summary, this variant meets criteria to be classified as likely benign. ACMG/AMP criteria applied, as specified by the Myeloid Malignancy Variant Curation Expert Panel for RUNX1: BP4, BP7, PM2_supporting.

Labcorp Genetics (formerly Invitae), Labcorp
Classification: Likely benign for Hereditary thrombocytopenia and hematological cancer predisposition syndrome associated with RUNX1. Last evaluated: 2022-09-21. Review status: criteria provided, single submitter. Criteria: Invitae Variant Classification Sherloc (09022015). Collection method: clinical testing. Allele origin: germline. Not counted in ClinVar's aggregate classification.

NM_001754.5(RUNX1):c.1200G>A (p.Ser400=)

Gene: RUNX1 (RUNX family transcription factor 1; minus strand). Cytogenetic location: 21q22.12.
Variant type: single nucleotide variant.
Coding change: c.1200G>A on transcript NM_001754.5 (MANE Select); coding-DNA position 1200, G replaced by A.
Protein change: p.Ser400=; no amino-acid change (serine 400 retained).
Molecular consequence: synonymous variant.
Genome position (GRCh38, 1-based): chr21:34,792,378, C>T on the plus strand (G>A on the coding strand, the complement: RUNX1 is on the minus strand). VCF-style: chr21-34792378-C-T. GRCh37 (hg19) VCF-style: chr21-36164675-C-T.
Other names: NM_001754.5(RUNX1):c.1200G>A; p.Ser400=; c.1119G>A, p.Ser373= (NM_001001890.3).
Identifiers: ClinVar variation 2201499 (VCV002201499.5), dbSNP rs2145875534, ClinGen allele CA512341230.